The following is an entry in ClinVar:

NM_001042472.3(ABHD12):c.750C>T (p.Gly250=)

Gene: ABHD12 (abhydrolase domain containing 12, lysophospholipase; minus strand). Cytogenetic location: 20p11.21.
Variant type: single nucleotide variant.
Coding change: c.750C>T on transcript NM_001042472.3 (MANE Select); coding-DNA position 750, C replaced by T.
Protein change: p.Gly250=; no amino-acid change (glycine 250 retained).
Molecular consequence: synonymous variant.
Genome position (GRCh38, 1-based): chr20:25,308,494, G>A on the plus strand (C>T on the coding strand, the complement: ABHD12 is on the minus strand). VCF-style: chr20-25308494-G-A. GRCh37 (hg19) VCF-style: chr20-25289130-G-A.
Other names: c.750C>T, p.Gly250= (NM_015600.5).
Identifiers: ClinVar variation 1409172 (VCV001409172.7), dbSNP rs541095122, ClinGen allele CA9796012.

ClinVar aggregate classification (germline): Conflicting classifications of pathogenicity. Review status: criteria provided, conflicting classifications (1 of 4 stars). 2 submissions from 2 submitters: Uncertain significance (1); Likely benign (1). Last evaluated 2026-01-05.

Allele frequency attached by ClinVar (database versions not stated): gnomAD exomes below 0.00001; ExAC 0.00001; gnomAD 0.00002 and 0.00003; TOPMed 0.00002; 1000 Genomes Project 30x 0.00016; 1000 Genomes Project 0.00020.
gnomAD v4.1: 8 of 1,610,346 alleles (0.0005%); highest among the groups gnomAD compares: East Asian, 0.0045%; no homozygotes.

Submissions (2):

Labcorp Genetics (formerly Invitae), Labcorp
Classification: Uncertain significance. Last evaluated: 2026-01-05. Review status: criteria provided, single submitter. Criteria: Invitae Variant Classification Sherloc (09022015). Collection method: clinical testing. Allele origin: germline.
Comment: This sequence change affects codon 250 of the ABHD12 mRNA. It is a 'silent' change, meaning that it does not change the encoded amino acid sequence of the ABHD12 protein. It affects a nucleotide within the consensus splice site. The frequency data for this variant in the population databases is considered unreliable, as metrics indicate poor data quality at this position in the gnomAD database. This variant has not been reported in the literature in individuals affected with ABHD12-related conditions. ClinVar contains an entry for this variant (Variation ID: 1409172). Algorithms developed to predict the effect of sequence changes on RNA splicing suggest that this variant is not likely to affect RNA splicing. In summary, the available evidence is currently insufficient to determine the role of this variant in disease. Therefore, it has been classified as a Variant of Uncertain Significance.

Blueprint Genetics
Classification: Likely benign. Last evaluated: 2022-09-16. Review status: criteria provided, single submitter. Criteria: ACMG Guidelines, 2015. Collection method: clinical testing. Allele origin: germline.